The following is an entry in ClinVar:

NM_015275.3(WASHC4):c.3412_3413del (p.Lys1138fs)

Gene: WASHC4 (WASH complex subunit 4; plus strand). Cytogenetic location: 12q23.3.
Variant type: Deletion.
Coding change: c.3412_3413del on transcript NM_015275.3 (MANE Select); coding-DNA positions 3412 to 3413, 2 bases deleted (AA; older notation c.3412_3413delAA).
Protein change: p.Lys1138fs; shifts the reading frame from lysine 1138.
Molecular consequence: frameshift variant.
Genome position (GRCh38, 1-based): chr12:105,164,698-105,164,699, AA deleted. VCF-style (leftmost placement, unchanged base first): chr12-105164697-CAA-C. GRCh37 (hg19) VCF-style: chr12-105558475-CAA-C.
Other names: c.3415_3416del, p.Lys1139fs (NM_001293640.2); short protein forms K1138fs, K1139fs.
Identifiers: ClinVar variation 1308928 (VCV001308928.2), dbSNP rs765840492, ClinGen allele CA6759236.

ClinVar aggregate classification (germline): Uncertain significance (1 of 4 stars; one submission).

Allele frequency attached by ClinVar (database versions not stated): gnomAD exomes below 0.00001 and 0.00001; ExAC 0.00001; TOPMed 0.00001; ESP Exome Variant Server 0.00027.

Submission:

GeneDx
Classification: Uncertain significance. Last evaluated: 2019-10-09. Review status: criteria provided, single submitter. Criteria: GeneDx Variant Classification Process June 2021. Collection method: clinical testing. Allele origin: germline. Affected: yes.
Comment: Frameshift variant predicted to result in protein truncation as the last 36 amino acids are lost and replaced with 3 incorrect amino acids, although loss-of-function variants have not been reported downstream of this position in the protein; Has not been previously published as pathogenic or benign to our knowledge; Variants in candidate genes are classified as variants of uncertain significance in accordance with ACMG guidelines (Richards et al., 2015)